The following is an entry in ClinVar:

ClinVar aggregate classification (germline): Uncertain significance (1 of 4 stars; one submission).

Submission:

Labcorp Genetics (formerly Invitae), Labcorp
Classification: Uncertain significance. Last evaluated: 2021-12-24. Review status: criteria provided, single submitter. Criteria: Invitae Variant Classification Sherloc (09022015). Collection method: clinical testing. Allele origin: germline.
Comment: This sequence change replaces glycine, which is neutral and non-polar, with aspartic acid, which is acidic and polar, at codon 1352 of the ALPK3 protein (p.Gly1352Asp). Information on the frequency of this variant in the gnomAD database is not available, as this variant may be reported differently in the database. This variant has not been reported in the literature in individuals affected with ALPK3-related conditions. Algorithms developed to predict the effect of missense changes on protein structure and function are either unavailable or do not agree on the potential impact of this missense change (SIFT: "Not Available"; PolyPhen-2: "Benign"; Align-GVGD: "Not Available"). In summary, the available evidence is currently insufficient to determine the role of this variant in disease. Therefore, it has been classified as a Variant of Uncertain Significance.

NM_020778.5(ALPK3):c.3449_3450inv (p.Gly1150Asp)

Gene: ALPK3 (alpha kinase 3; plus strand). Cytogenetic location: 15q25.3.
Variant type: Inversion.
Coding change: c.3449_3450inv on transcript NM_020778.5 (MANE Select).
Protein change: p.Gly1150Asp; replaces glycine 1150 with aspartic acid.
Molecular consequence: missense variant.
Genome position: GRCh38 VCF-style: chr15-84858187-GT-AC. GRCh37 (hg19) VCF-style: chr15-85401418-GT-AC.
Other names: short protein forms G1150D.
Identifiers: ClinVar variation 1976796 (VCV001976796.5), ClinGen allele CA2580090125.